The following is an entry in ClinVar:

ClinVar aggregate classification (germline): Uncertain significance (1 of 4 stars; one submission).

Submission:

Dasa
Classification: Uncertain significance. Last evaluated: 2024-11-22. Review status: criteria provided, single submitter. Criteria: DASA Assertion Criteria. Collection method: clinical testing. Allele origin: germline.
Comment: NM_014991.6(WDFY3):c.4300C>G (p.Leu1434Val) is a missense variant that results in the substitution of leucine with valine. This variant is absent from population databases. Computational prediction algorithms are consistent with a deleterious effect. The currently available literature and clinical evidence are not sufficient to establish a definitive association between this variant and the reported condition. Therefore, this variant is classified as a variant of uncertain significance.

NM_014991.6(WDFY3):c.4300C>G (p.Leu1434Val)

Gene: WDFY3 (WD repeat and FYVE domain containing 3; minus strand). Cytogenetic location: 4q21.23.
Variant type: single nucleotide variant.
Coding change: c.4300C>G on transcript NM_014991.6 (MANE Select); coding-DNA position 4300, C replaced by G.
Protein change: p.Leu1434Val; replaces leucine 1434 with valine.
Molecular consequence: missense variant.
Genome position (GRCh38, 1-based): chr4:84,780,173, G>C on the plus strand (C>G on the coding strand, the complement: WDFY3 is on the minus strand). VCF-style: chr4-84780173-G-C. GRCh37 (hg19) VCF-style: chr4-85701326-G-C.
Other names: short protein forms L1434V.
Identifiers: ClinVar variation 4886653 (VCV004886653.2).